The following is an entry in ClinVar:

NM_001384900.1(SEMA3D):c.822C>T (p.Ser274=)

Gene: SEMA3D (semaphorin 3D; minus strand). Cytogenetic location: 7q21.11.
Variant type: single nucleotide variant.
Coding change: c.822C>T on transcript NM_001384900.1 (MANE Select); coding-DNA position 822, C replaced by T.
Protein change: p.Ser274=; no amino-acid change (serine 274 retained).
Molecular consequence: synonymous variant.
Genome position (GRCh38, 1-based): chr7:85,055,756, G>A on the plus strand (C>T on the coding strand, the complement: SEMA3D is on the minus strand). VCF-style: chr7-85055756-G-A. GRCh37 (hg19) VCF-style: chr7-84685072-G-A.
Other names: c.822C>T (NM_152754.2); c.822C>T, p.Ser274= (NM_001384901.1, NM_001384902.1, NM_001384903.1 and 1 more transcripts).
Identifiers: ClinVar variation 2657655 (VCV002657655.25), dbSNP rs552162067, ClinGen allele CA4323633.

ClinVar aggregate classification (germline): Likely benign. Review status: criteria provided, single submitter (1 of 4 stars). 2 submissions from 2 submitters: Likely benign (1). 1 of the submissions does not count toward it. Last evaluated 2022-08-01.

Conditions:
SEMA3D-related disorder. Also called: SEMA3D-related condition.

Allele frequency attached by ClinVar (database versions not stated): TOPMed 0.00008; gnomAD 0.00038; gnomAD exomes 0.00047; ExAC 0.00113; 1000 Genomes Project 0.00200; 1000 Genomes Project 30x 0.00203.
gnomAD v4.1: 717 of 1,548,940 alleles (0.046%); highest among the groups gnomAD compares: South Asian, 0.73%; 13 homozygotes.

Submissions (2):

CeGaT Center for Human Genetics Tuebingen
Classification: Likely benign. Last evaluated: 2022-08-01. Review status: criteria provided, single submitter. Criteria: CeGaT Center For Human Genetics Tuebingen Variant Classification Criteria Version 2. Collection method: clinical testing. Allele origin: germline. Affected: yes. Observed: 1 variant allele.
Comment: SEMA3D: BP4, BP7

PreventionGenetics, part of Exact Sciences
Classification: Likely benign for SEMA3D-related condition. Last evaluated: 2022-05-27. Review status: no assertion criteria provided. Collection method: clinical testing. Allele origin: germline. Not counted in ClinVar's aggregate classification.
Comment: This variant is classified as likely benign based on ACMG/AMP sequence variant interpretation guidelines (Richards et al. 2015 PMID: 25741868, with internal and published modifications).